The following is an entry in ClinVar:

NM_004239.4(TRIP11):c.589-133A>G

Gene: TRIP11 (thyroid hormone receptor interactor 11; minus strand). Cytogenetic location: 14q32.12.
Variant type: single nucleotide variant.
Coding change: c.589-133A>G on transcript NM_004239.4 (MANE Select); 133 bases into the intron before coding-DNA position 589, A replaced by G.
Molecular consequence: intron variant.
Genome position (GRCh38, 1-based): chr14:92,017,883, T>C on the plus strand (A>G on the coding strand, the complement: TRIP11 is on the minus strand). VCF-style: chr14-92017883-T-C. GRCh37 (hg19) VCF-style: chr14-92484227-T-C.
Other names: c.586-133A>G (NM_001321851.1).
Identifiers: ClinVar variation 667781 (VCV000667781.2), dbSNP rs11849778, ClinGen allele CA14011434.

ClinVar aggregate classification (germline): Benign. Review status: criteria provided, multiple submitters, no conflicts (2 of 4 stars). 2 submissions from 2 submitters: Benign (2). Last evaluated 2018-06-14.

Allele frequency attached by ClinVar (database versions not stated): TOPMed 0.22468; gnomAD 0.22685 and 0.23075; 1000 Genomes Project 30x 0.23720; 1000 Genomes Project 0.24101; gnomAD exomes 0.25126.
gnomAD v4.1: 177,440 of 719,390 alleles (25%); highest among the groups gnomAD compares: East Asian, 38%; 22,983 homozygotes.

Submissions (2):

GeneDx
Classification: Benign. Last evaluated: 2018-06-14. Review status: criteria provided, single submitter. Criteria: GeneDx Variant Classification (06012015). Collection method: clinical testing. Allele origin: germline. Affected: yes.
Comment: This variant is considered likely benign or benign based on one or more of the following criteria: it is a conservative change, it occurs at a poorly conserved position in the protein, it is predicted to be benign by multiple in silico algorithms, and/or has population frequency not consistent with disease.

Breakthrough Genomics
Classification: Benign. Review status: criteria provided, single submitter. Criteria: ACMG Guidelines, 2015. Collection method: not provided. Allele origin: germline. Inheritance: Autosomal recessive inheritance. Affected: yes.